The following is an entry in ClinVar:

ClinVar aggregate classification (germline): Uncertain significance. Review status: criteria provided, multiple submitters, no conflicts (2 of 4 stars). 4 submissions from 4 submitters: Uncertain significance (4). Last evaluated 2025-07-31.

Conditions:
Cardiomyopathy (CMYO). Also called: Cardiomyopathies. Identifiers: Orphanet 167848, MedGen C0878544, MONDO:0004994, HP:0001638. Inheritance: Various modes of inheritance.
Arrhythmogenic right ventricular dysplasia 11. Also called: Arrhythmogenic right ventricular dysplasia 11 with mild palmoplantar keratoderma and woolly hair; Arrhythmogenic Right Ventricular Dysplasia/Cardiomyopathy11; ARRHYTHMOGENIC RIGHT VENTRICULAR DYSPLASIA, FAMILIAL, 11. Identifiers: MedGen C1864850, MONDO:0012506, OMIM 610476.
Cardiovascular phenotype. Identifiers: MedGen CN230736.
Familial isolated arrhythmogenic right ventricular dysplasia. Identifiers: Orphanet 217656, MedGen C4274968, MONDO:0016342.

Allele frequency attached by ClinVar (database versions not stated): TOPMed 0.00001; gnomAD 0.00003 and 0.00002; ESP Exome Variant Server 0.00008; gnomAD exomes below 0.00001; ExAC 0.00001.
gnomAD v4.1: 5 of 1,614,038 alleles (0.00031%); highest among the groups gnomAD compares: African/African-American, 0.0027%; no homozygotes.

Submissions (4):

Labcorp Genetics (formerly Invitae), Labcorp
Classification: Uncertain significance for Arrhythmogenic right ventricular dysplasia 11. Last evaluated: 2025-07-31. Review status: criteria provided, single submitter. Criteria: Invitae Variant Classification Sherloc (09022015). Collection method: clinical testing. Allele origin: germline.
Comment: This sequence change replaces histidine, which is basic and polar, with arginine, which is basic and polar, at codon 679 of the DSC2 protein (p.His679Arg). This variant is not present in population databases (gnomAD no frequency). This variant has not been reported in the literature in individuals affected with DSC2-related conditions. ClinVar contains an entry for this variant (Variation ID: 626835). An algorithm developed to predict the effect of missense changes on protein structure and function outputs the following: PolyPhen-2: "Benign". The arginine amino acid residue is found in multiple mammalian species, which suggests that this missense change does not adversely affect protein function. In summary, the available evidence is currently insufficient to determine the role of this variant in disease. Therefore, it has been classified as a Variant of Uncertain Significance.

All of Us Research Program, National Institutes of Health
Classification: Uncertain significance for Familial isolated arrhythmogenic right ventricular dysplasia. Last evaluated: 2023-07-13. Review status: criteria provided, single submitter. Criteria: ACMG Guidelines, 2015. Collection method: clinical testing. Allele origin: germline. Inheritance: Autosomal dominant inheritance. Observed: 3 variant alleles, 3 heterozygotes.
Comment: This missense variant replaces histidine with arginine at codon 679 of the DSC2 protein. Computational prediction suggests that this variant may not impact protein structure and function (internally defined REVEL score threshold <= 0.5, PMID: 27666373). To our knowledge, functional studies have not been reported for this variant. This variant has not been reported in individuals affected with DSC2-related disorders in the literature. This variant has not been identified in the general population by the Genome Aggregation Database (gnomAD). The available evidence is insufficient to determine the role of this variant in disease conclusively. Therefore, this variant is classified as a Variant of Uncertain Significance.

This study involves interpretation of variants in research participants for the purpose of population health screening. Participant phenotype was not available at the time of variant classification. Additional details can be found in publication PMID: 35346344, PMCID: PMC8962531

Ambry Genetics
Classification: Uncertain significance for Cardiovascular phenotype. Last evaluated: 2019-03-30. Review status: criteria provided, single submitter. Criteria: Ambry Variant Classification Scheme 2023. Collection method: clinical testing. Allele origin: germline.
Comment: The p.H679R variant (also known as c.2036A>G), located in coding exon 13 of the DSC2 gene, results from an A to G substitution at nucleotide position 2036. The histidine at codon 679 is replaced by arginine, an amino acid with highly similar properties. This amino acid position is poorly conserved in available vertebrate species. In addition, this alteration is predicted to be tolerated by in silico analysis. Since supporting evidence is limited at this time, the clinical significance of this alteration remains unclear.

CHEO Genetics Diagnostic Laboratory, Children's Hospital of Eastern Ontario
Classification: Uncertain significance for Cardiomyopathy. Last evaluated: 2017-08-18. Review status: criteria provided, single submitter. Criteria: ACMG Guidelines, 2015. Collection method: clinical testing. Allele origin: germline. Study: Canadian Open Genetics Repository.

NM_024422.6(DSC2):c.2036A>G (p.His679Arg)

Gene: DSC2 (desmocollin 2; minus strand). Cytogenetic location: 18q12.1.
Variant type: single nucleotide variant.
Coding change: c.2036A>G on transcript NM_024422.6 (MANE Select); coding-DNA position 2036, A replaced by G.
Protein change: p.His679Arg; replaces histidine 679 with arginine.
Molecular consequence: missense variant.
Genome position (GRCh38, 1-based): chr18:31,071,694, T>C on the plus strand (A>G on the coding strand, the complement: DSC2 is on the minus strand). VCF-style: chr18-31071694-T-C. GRCh37 (hg19) VCF-style: chr18-28651660-T-C.
Other names: c.2036A>G, p.His679Arg (NM_004949.5); short protein forms H679R.
Identifiers: ClinVar variation 626835 (VCV000626835.10), dbSNP rs145710244, ClinGen allele CA034353.